The following is an entry in ClinVar:

ClinVar aggregate classification (germline): Uncertain significance (1 of 4 stars; one submission).

Allele frequency attached by ClinVar (database versions not stated): gnomAD exomes below 0.00001; TOPMed 0.00001.
gnomAD v4.1: 2 of 1,605,786 alleles (0.00012%); highest among the groups gnomAD compares: Non-Finnish European, 0.00017%; no homozygotes.

Submission:

Centre for Mendelian Genomics, University Medical Centre Ljubljana
Classification: Uncertain significance. Last evaluated: 2018-10-19. Review status: criteria provided, single submitter. Criteria: ACMG Guidelines, 2015. Collection method: clinical testing. Allele origin: unknown. Affected: yes.
Comment: This variant was classified as: Uncertain significance. The available evidence on this variant's pathogenicity is insufficient or conflicting. The following ACMG criteria were applied in classifying this variant: PM2.

NM_001256071.3(RNF213):c.1112+6G>A

Gene: RNF213 (ring finger protein 213; plus strand). Cytogenetic location: 17q25.3.
Variant type: single nucleotide variant.
Coding change: c.1112+6G>A on transcript NM_001256071.3 (MANE Select); 6 bases into the intron after coding-DNA position 1112, G replaced by A.
Molecular consequence: intron variant.
Genome position (GRCh38, 1-based): chr17:80,289,843, G>A. VCF-style: chr17-80289843-G-A. GRCh37 (hg19) VCF-style: chr17-78263642-G-A.
Other names: c.1112+6G>A (NM_020954.4).
Identifiers: ClinVar variation 931874 (VCV000931874.3), dbSNP rs1411900717, ClinGen allele CA775543345.
Genomic context (GRCh38, chr17:80,289,843, plus strand): 5'-AAAACGAGAAGGAGCAAAAAAACCAGGAAGCAGATGTCCAGGAAGTGAAGGCAAGGTAGG[G>A]ATGCCCCCGCAGGGGAGCAAAGGAGACCCTGCCTGAGAGCCCGGCACACCCTCTCCCTGC-3'